The following is an entry in ClinVar:

NM_001290043.2(TAP2):c.1733C>T (p.Ala578Val)

Gene: TAP2 (transporter 2, ATP binding cassette subfamily B member; minus strand). Cytogenetic location: 6p21.32.
Variant type: single nucleotide variant.
Coding change: c.1733C>T on transcript NM_001290043.2 (MANE Select); coding-DNA position 1733, C replaced by T.
Protein change: p.Ala578Val; replaces alanine 578 with valine.
Molecular consequence: missense variant.
Genome position (GRCh38, 1-based): chr6:32,829,992, G>A on the plus strand (C>T on the coding strand, the complement: TAP2 is on the minus strand). VCF-style: chr6-32829992-G-A. GRCh37 (hg19) VCF-style: chr6-32797769-G-A.
Other names: c.1733C>T, p.Ala578Val (NM_000544.3, NM_018833.3); short protein forms A578V.
Identifiers: ClinVar variation 836733 (VCV000836733.9), dbSNP rs78328107, ClinGen allele CA3745816.

ClinVar aggregate classification (germline): Conflicting classifications of pathogenicity. Review status: criteria provided, conflicting classifications (1 of 4 stars). 5 submissions from 5 submitters: Uncertain significance (4); Likely benign (1). Last evaluated 2025-01-23.

Conditions:
MHC class I deficiency 1 (MHC1D1). Also called: BARE LYMPHOCYTE SYNDROME, TYPE I; BLS, TYPE I; HLA CLASS I DEFICIENCY, 1. Identifiers: MedGen C1858266, MONDO:0971006, OMIM 604571.
Inborn genetic diseases. Identifiers: MedGen C0950123, MeSH D030342.
MHC class I deficiency. Identifiers: Orphanet 34592, MedGen C6024714, MONDO:0011476.

Allele frequency attached by ClinVar (database versions not stated): gnomAD exomes 0.00030 and 0.00013; ExAC 0.00032; 1000 Genomes Project 30x 0.00047; 1000 Genomes Project 0.00060; gnomAD 0.00068; TOPMed 0.00071; ESP Exome Variant Server 0.00119.
gnomAD v4.1: 302 of 1,613,044 alleles (0.019%); highest among the groups gnomAD compares: African/African-American, 0.19%; no homozygotes.

Submissions (5):

Ambry Genetics
Classification: Uncertain significance for Inborn genetic diseases. Last evaluated: 2025-01-23. Review status: criteria provided, single submitter. Criteria: Ambry Variant Classification Scheme 2023. Collection method: clinical testing. Allele origin: germline.

Blueprint Genetics
Classification: Likely benign. Last evaluated: 2024-10-04. Review status: criteria provided, single submitter. Criteria: ACMG Guidelines, 2015. Collection method: clinical testing. Allele origin: germline.

Labcorp Genetics (formerly Invitae), Labcorp
Classification: Uncertain significance for MHC class I deficiency 1. Last evaluated: 2022-06-24. Review status: criteria provided, single submitter. Criteria: Invitae Variant Classification Sherloc (09022015). Collection method: clinical testing. Allele origin: germline.
Comment: This sequence change replaces alanine, which is neutral and non-polar, with valine, which is neutral and non-polar, at codon 578 of the TAP2 protein (p.Ala578Val). This variant is present in population databases (rs78328107, gnomAD 0.2%). This variant has not been reported in the literature in individuals affected with TAP2-related conditions. ClinVar contains an entry for this variant (Variation ID: 836733). Algorithms developed to predict the effect of missense changes on protein structure and function are either unavailable or do not agree on the potential impact of this missense change (SIFT: "Deleterious"; PolyPhen-2: "Not Available"; Align-GVGD: "Class C0"). In summary, the available evidence is currently insufficient to determine the role of this variant in disease. Therefore, it has been classified as a Variant of Uncertain Significance.

Baylor Genetics
Classification: Uncertain significance for MHC class I deficiency 1. Last evaluated: 2018-04-17. Review status: criteria provided, single submitter. Criteria: ACMG Guidelines, 2015. Collection method: clinical testing. Allele origin: maternal. Affected: yes.
Comment: This variant was determined to be of uncertain significance according to ACMG Guidelines, 2015 [PMID:25741868].

Neuberg Centre For Genomic Medicine, NCGM
Classification: Uncertain significance for MHC class I deficiency 1. Review status: criteria provided, single submitter. Criteria: ACMG Guidelines, 2015. Collection method: clinical testing. Allele origin: germline. Inheritance: Autosomal recessive inheritance. Affected: yes.
Comment: The missense c.1733C>T(p.Ala578Val) variant in TAP2 gene has not been reported previously as a pathogenic variant nor a benign variant, to our knowledge. The p.Ala578Val variant has been reported with allele frequency of 0.03% in gnomAD Exomes. This variant has been reported to the ClinVar database as Uncertain Significance. The amino acid change p.Ala578Val in TAP2 is predicted as conserved by GERP++ and PhyloP across 100 vertebrates. The amino acid Ala at position 578 is changed to a Val changing protein sequence and it might alter its composition and physico-chemical properties. For these reasons, this variant has been classified as a Variant of Uncertain Significance (VUS).